The following is an entry in ClinVar:

NM_001040108.2(MLH3):c.2819C>T (p.Ser940Phe)

Gene: MLH3 (mutL homolog 3; minus strand). Cytogenetic location: 14q24.3.
Variant type: single nucleotide variant.
Coding change: c.2819C>T on transcript NM_001040108.2 (MANE Select); coding-DNA position 2819, C replaced by T.
Protein change: p.Ser940Phe; replaces serine 940 with phenylalanine.
Molecular consequence: missense variant.
Genome position (GRCh38, 1-based): chr14:75,046,837, G>A on the plus strand (C>T on the coding strand, the complement: MLH3 is on the minus strand). VCF-style: chr14-75046837-G-A. GRCh37 (hg19) VCF-style: chr14-75513540-G-A.
Other names: c.2819C>T, p.Ser940Phe (NM_014381.3); c.2819C>T (NM_014381.2); short protein forms S940F.
Identifiers: ClinVar variation 849112 (VCV000849112.15), dbSNP rs746725349, ClinGen allele CA7275634.

ClinVar aggregate classification (germline): Conflicting classifications of pathogenicity. Review status: criteria provided, conflicting classifications (1 of 4 stars). 3 submissions from 3 submitters: Likely pathogenic (1); Uncertain significance (2). Last evaluated 2025-09-16.

Conditions:
Ovarian cancer. Also called: OVARIAN CANCER, SOMATIC. Identifiers: Orphanet 213500, MedGen C1140680, MONDO:0008170, OMIM 167000.
Colorectal cancer, hereditary nonpolyposis, type 7. Identifiers: Orphanet 144, MedGen C1858380, MONDO:0013725, OMIM 614385.

Allele frequency attached by ClinVar (database versions not stated): gnomAD exomes below 0.00001 and 0.00003; TOPMed 0.00001; gnomAD 0.00002; ExAC 0.00004.

Submissions (3):

Ambry Genetics
Classification: Uncertain significance. Last evaluated: 2025-09-16. Review status: criteria provided, single submitter. Criteria: Ambry Variant Classification Scheme 2023. Collection method: clinical testing. Allele origin: germline.
Comment: The p.S940F variant (also known as c.2819C>T), located in coding exon 1 of the MLH3 gene, results from a C to T substitution at nucleotide position 2819. The serine at codon 940 is replaced by phenylalanine, an amino acid with highly dissimilar properties. This amino acid position is not well conserved in available vertebrate species. In addition, this alteration is predicted to be tolerated by in silico analysis. Since supporting evidence is limited at this time, the clinical significance of this alteration remains unclear.

Labcorp Genetics (formerly Invitae), Labcorp
Classification: Uncertain significance for Colorectal cancer, hereditary nonpolyposis, type 7. Last evaluated: 2025-03-19. Review status: criteria provided, single submitter. Criteria: Invitae Variant Classification Sherloc (09022015). Collection method: clinical testing. Allele origin: germline.
Comment: This sequence change replaces serine, which is neutral and polar, with phenylalanine, which is neutral and non-polar, at codon 940 of the MLH3 protein (p.Ser940Phe). This variant is present in population databases (rs746725349, gnomAD 0.04%), and has an allele count higher than expected for a pathogenic variant. This variant has not been reported in the literature in individuals affected with MLH3-related conditions. ClinVar contains an entry for this variant (Variation ID: 849112). An algorithm developed to predict the effect of missense changes on protein structure and function outputs the following: PolyPhen-2: "Benign". The phenylalanine amino acid residue is found in multiple mammalian species, which suggests that this missense change does not adversely affect protein function. In summary, the available evidence is currently insufficient to determine the role of this variant in disease. Therefore, it has been classified as a Variant of Uncertain Significance.

Laboratory of Molecular Epidemiology of Birth Defects, West China Second University Hospital, Sichuan University
Classification: Likely pathogenic for Ovarian cancer. Last evaluated: 2022-01-01. Review status: criteria provided, single submitter. Criteria: ACMG Guidelines, 2015. Collection method: clinical testing. Allele origin: germline. Affected: yes.